The following is an entry in ClinVar:

ClinVar aggregate classification (germline): Uncertain significance. Review status: criteria provided, multiple submitters, no conflicts (2 of 4 stars). 2 submissions from 2 submitters: Uncertain significance (2). Last evaluated 2025-07-02.

Conditions:
Hereditary cancer-predisposing syndrome. Also called: Tumor predisposition; Hereditary neoplastic syndrome; Neoplastic Syndromes, Hereditary; Hereditary Cancer Syndrome. Identifiers: Orphanet 140162, MedGen C0027672, MeSH D009386, MONDO:0015356.
Hereditary breast ovarian cancer syndrome. Also called: Hereditary breast and ovarian cancer syndrome; Hereditary breast and ovarian cancer; Hereditary breast and ovarian cancer syndrome (HBOC); Breast and ovarian cancer; Hereditary breast and/or ovarian cancer syndrome; BRCA1- and BRCA2-Associated Hereditary Breast and Ovarian Cancer. Identifiers: Orphanet 145, MedGen C0677776, MeSH D061325, MONDO:0003582. Disease mechanism: loss of function.

Submissions (2):

Labcorp Genetics (formerly Invitae), Labcorp
Classification: Uncertain significance for Hereditary breast ovarian cancer syndrome. Last evaluated: 2025-07-02. Review status: criteria provided, single submitter. Criteria: Invitae Variant Classification Sherloc (09022015). Collection method: clinical testing. Allele origin: germline.
Comment: This sequence change replaces tyrosine, which is neutral and polar, with cysteine, which is neutral and slightly polar, at codon 261 of the BRCA1 protein (p.Tyr261Cys). This variant is not present in population databases (gnomAD no frequency). This variant has not been reported in the literature in individuals affected with BRCA1-related conditions. Invitae Evidence Modeling of protein sequence and biophysical properties (such as structural, functional, and spatial information, amino acid conservation, physicochemical variation, residue mobility, and thermodynamic stability) indicates that this missense variant is not expected to disrupt BRCA1 protein function with a negative predictive value of 80%. In summary, the available evidence is currently insufficient to determine the role of this variant in disease. Therefore, it has been classified as a Variant of Uncertain Significance.

Ambry Genetics
Classification: Uncertain significance for Hereditary cancer-predisposing syndrome. Last evaluated: 2025-04-17. Review status: criteria provided, single submitter. Criteria: Ambry Variant Classification Scheme 2023. Collection method: clinical testing. Allele origin: germline.
Comment: The p.Y261C variant (also known as c.782A>G), located in coding exon 9 of the BRCA1 gene, results from an A to G substitution at nucleotide position 782. The tyrosine at codon 261 is replaced by cysteine, an amino acid with highly dissimilar properties. This amino acid position is well conserved in available vertebrate species. In addition, the in silico prediction for this alteration is inconclusive. Based on the available evidence, the clinical significance of this variant remains unclear.

NM_007294.4(BRCA1):c.782A>G (p.Tyr261Cys)

Gene: BRCA1 (BRCA1 DNA repair associated; minus strand). Cytogenetic location: 17q21.31.
Variant type: single nucleotide variant.
Coding change: c.782A>G on transcript NM_007294.4 (MANE Select); coding-DNA position 782, A replaced by G.
Protein change: p.Tyr261Cys; replaces tyrosine 261 with cysteine.
Molecular consequence: missense variant. On other transcripts: intron variant (13), 5 prime UTR variant (2).
Genome position (GRCh38, 1-based): chr17:43,094,749, T>C on the plus strand (A>G on the coding strand, the complement: BRCA1 is on the minus strand). VCF-style: chr17-43094749-T-C. GRCh37 (hg19) VCF-style: chr17-41246766-T-C.
Other names: c.779A>G, p.Tyr260Cys (NM_001407628.1, NM_001407629.1, NM_001407630.1 and 38 more transcripts); c.572A>G, p.Tyr191Cys (NM_001408513.1, NM_001408514.1, NM_001407887.1 and 25 more transcripts); c.773A>G, p.Tyr258Cys (NM_001407646.1, NM_001408408.1, NM_001407647.1); c.667+1097A>G (NM_001408421.1, NM_001408431.1, NM_001408424.1); c.545-3717A>G (NM_001408495.1); c.670+1097A>G (NM_001408419.1, NM_001408422.1, NM_001408418.1 and 2 more transcripts); c.782A>G, p.Tyr261Cys (NM_001407616.1, NM_001407617.1, NM_001407618.1 and 53 more transcripts); c.659A>G, p.Tyr220Cys (NM_001407681.1, NM_001407682.1, NM_001407683.1 and 34 more transcripts); and 20 more; short protein forms Y93C, Y133C, Y134C, Y149C, Y173C, Y190C, Y191C, Y214C.
Identifiers: ClinVar variation 3992600 (VCV003992600.2).